The following is an entry in ClinVar:

NM_007254.4(PNKP):c.817-254G>A

Gene: PNKP (polynucleotide kinase 3'-phosphatase; minus strand). Cytogenetic location: 19q13.33.
Variant type: single nucleotide variant.
Coding change: c.817-254G>A on transcript NM_007254.4 (MANE Select); 254 bases into the intron before coding-DNA position 817, G replaced by A.
Molecular consequence: intron variant.
Genome position (GRCh38, 1-based): chr19:49,862,992, C>T on the plus strand (G>A on the coding strand, the complement: PNKP is on the minus strand). VCF-style: chr19-49862992-C-T. GRCh37 (hg19) VCF-style: chr19-50366249-C-T.
Identifiers: ClinVar variation 667561 (VCV000667561.1), dbSNP rs149651968, ClinGen allele CA309495161.

ClinVar aggregate classification (germline): Likely benign (1 of 4 stars; one submission).

Allele frequency attached by ClinVar (database versions not stated): 1000 Genomes Project 0.00459; 1000 Genomes Project 30x 0.00484; gnomAD 0.00487 and 0.00526; TOPMed 0.00543.

Submission:

GeneDx
Classification: Likely benign. Last evaluated: 2018-06-14. Review status: criteria provided, single submitter. Criteria: GeneDx Variant Classification (06012015). Collection method: clinical testing. Allele origin: germline. Affected: yes.
Comment: This variant is considered likely benign or benign based on one or more of the following criteria: it is a conservative change, it occurs at a poorly conserved position in the protein, it is predicted to be benign by multiple in silico algorithms, and/or has population frequency not consistent with disease.